The following is an entry in ClinVar:

NM_015158.5(KANK1):c.793G>A (p.Glu265Lys)

Gene: KANK1 (KN motif and ankyrin repeat domains 1; plus strand). Cytogenetic location: 9p24.3.
Variant type: single nucleotide variant.
Coding change: c.793G>A on transcript NM_015158.5 (MANE Select); coding-DNA position 793, G replaced by A.
Protein change: p.Glu265Lys; replaces glutamic acid 265 with lysine.
Molecular consequence: missense variant. On other transcripts: non-coding transcript variant (1).
Genome position (GRCh38, 1-based): chr9:711,559, G>A. VCF-style: chr9-711559-G-A. GRCh37 (hg19) VCF-style: chr9-711559-G-A.
Other names: c.793G>A, p.Glu265Lys (NM_001256876.3, NM_001256877.3, NM_001354331.2 and 2 more transcripts); c.319G>A, p.Glu107Lys (NM_001354333.2, NM_001354335.2, NM_001354336.2 and 9 more transcripts); c.793G>A (NM_015158.2); short protein forms E107K, E265K.
Identifiers: ClinVar variation 1353906 (VCV001353906.10), dbSNP rs751563164, ClinGen allele CA4960047.

ClinVar aggregate classification (germline): Uncertain significance. Review status: criteria provided, multiple submitters, no conflicts (2 of 4 stars). 3 submissions from 3 submitters: Uncertain significance (3). Last evaluated 2025-10-02.

Allele frequency attached by ClinVar (database versions not stated): ExAC 0.00005; gnomAD 0.00005 and 0.00006; TOPMed 0.00007; gnomAD exomes 0.00008.
gnomAD v4.1: 95 of 1,613,820 alleles (0.0059%); highest among the groups gnomAD compares: Admixed American, 0.017%; no homozygotes.

Submissions (3):

Labcorp Genetics (formerly Invitae), Labcorp
Classification: Uncertain significance. Last evaluated: 2025-10-02. Review status: criteria provided, single submitter. Criteria: Invitae Variant Classification Sherloc (09022015). Collection method: clinical testing. Allele origin: germline.
Comment: This sequence change replaces glutamic acid, which is acidic and polar, with lysine, which is basic and polar, at codon 265 of the KANK1 protein (p.Glu265Lys). This variant is present in population databases (rs751563164, gnomAD 0.01%). This variant has not been reported in the literature in individuals affected with KANK1-related conditions. ClinVar contains an entry for this variant (Variation ID: 1353906). Invitae Evidence Modeling of protein sequence and biophysical properties (such as structural, functional, and spatial information, amino acid conservation, physicochemical variation, residue mobility, and thermodynamic stability) indicates that this missense variant is expected to disrupt KANK1 protein function with a positive predictive value of 80%. In summary, the available evidence is currently insufficient to determine the role of this variant in disease. Therefore, it has been classified as a Variant of Uncertain Significance.

Biomedical Genomics and Oncogenetics Laboratory, Institut Pasteur de Tunis, University Tunis El Manar
Classification: Uncertain significance. Last evaluated: 2022-01-15. Review status: criteria provided, single submitter. Criteria: ACMG Guidelines, 2015. Collection method: research. Allele origin: germline. Affected: yes. Observed: 1 variant allele.

Ambry Genetics
Classification: Uncertain significance. Last evaluated: 2021-12-03. Review status: criteria provided, single submitter. Criteria: Ambry Variant Classification Scheme 2023. Collection method: clinical testing. Allele origin: germline.